The following is an entry in ClinVar:

ClinVar aggregate classification (germline): Uncertain significance (1 of 4 stars; one submission).

Conditions:
Hereditary cancer-predisposing syndrome. Also called: Neoplastic Syndromes, Hereditary; Tumor predisposition; Hereditary Cancer Syndrome; Hereditary neoplastic syndrome. Identifiers: Orphanet 140162, MedGen C0027672, MeSH D009386, MONDO:0015356.

Submission:

Ambry Genetics
Classification: Uncertain significance for Hereditary cancer-predisposing syndrome. Last evaluated: 2026-01-15. Review status: criteria provided, single submitter. Criteria: Ambry Variant Classification Scheme 2023. Collection method: clinical testing. Allele origin: germline.
Comment: The p.I724V variant (also known as c.2170A>G), located in coding exon 15 of the TSC1 gene, results from an A to G substitution at nucleotide position 2170. The isoleucine at codon 724 is replaced by valine, an amino acid with highly similar properties. This amino acid position is conserved. In addition, this alteration is predicted to be tolerated by in silico analysis. Based on the available evidence, the clinical significance of this variant remains unclear.

NM_000368.5(TSC1):c.2170A>G (p.Ile724Val)

Gene: TSC1 (TSC complex subunit 1; minus strand). Cytogenetic location: 9q34.13.
Variant type: single nucleotide variant.
Coding change: c.2170A>G on transcript NM_000368.5 (MANE Select); coding-DNA position 2170, A replaced by G.
Protein change: p.Ile724Val; replaces isoleucine 724 with valine.
Molecular consequence: missense variant. On other transcripts: non-coding transcript variant (4).
Genome position (GRCh38, 1-based): chr9:132,903,689, T>C on the plus strand (A>G on the coding strand, the complement: TSC1 is on the minus strand). VCF-style: chr9-132903689-T-C. GRCh37 (hg19) VCF-style: chr9-135779076-T-C.
Other names: c.2167A>G, p.Ile723Val (NM_001162426.2, NM_001406597.1, NM_001406598.1 and 4 more transcripts); c.2017A>G, p.Ile673Val (NM_001162427.2, NM_001406610.1); c.1807A>G, p.Ile603Val (NM_001362177.2, NM_001406624.1, NM_001406614.1 and 5 more transcripts); c.2170A>G, p.Ile724Val (NM_001406592.1, NM_001406593.1, NM_001406594.1 and 5 more transcripts); c.2155A>G, p.Ile719Val (NM_001406601.1, NM_001406602.1); c.2152A>G, p.Ile718Val (NM_001406603.1, NM_001406604.1); c.2014A>G, p.Ile672Val (NM_001406611.1, NM_001406612.1, NM_001406613.1); c.1804A>G, p.Ile602Val (NM_001406623.1, NM_001406625.1, NM_001406620.1 and 2 more transcripts); and 3 more; short protein forms I672V, I719V, I724V, I603V, I673V, I723V, I602V, I373V.
Identifiers: ClinVar variation 4844217 (VCV004844217.1).